The following is an entry in ClinVar:

NM_024753.5(TTC21B):c.2818C>T (p.Gln940Ter)

Gene: TTC21B (tetratricopeptide repeat domain 21B; minus strand). Cytogenetic location: 2q24.3.
Variant type: single nucleotide variant.
Coding change: c.2818C>T on transcript NM_024753.5 (MANE Select); coding-DNA position 2818, C replaced by T.
Protein change: p.Gln940Ter; replaces glutamine 940 with a stop codon.
Molecular consequence: nonsense.
Genome position (GRCh38, 1-based): chr2:165,899,820, G>A on the plus strand (C>T on the coding strand, the complement: TTC21B is on the minus strand). VCF-style: chr2-165899820-G-A. GRCh37 (hg19) VCF-style: chr2-166756330-G-A.
Other names: short protein forms Q940*.
Identifiers: ClinVar variation 1350763 (VCV001350763.7), dbSNP rs1489728717, ClinGen allele CA349050276.

ClinVar aggregate classification (germline): Pathogenic/Likely pathogenic. Review status: criteria provided, multiple submitters, no conflicts (2 of 4 stars). 2 submissions from 2 submitters: Pathogenic (1); Likely pathogenic (1). Last evaluated 2026-01-12.

Conditions:
TTC21B-related disorder. Also called: TTC21B-related disorders; TTC21B-related condition.
Nephronophthisis. Also called: Juvenile Nephronophthisis. Identifiers: Orphanet 655, MedGen C0687120, MONDO:0019005, HP:0000090.
Jeune thoracic dystrophy. Also called: Short-rib thoracic dysplasia; Infantile thoracic dystrophy; Thoracic pelvic phalangeal dystrophy; Jeune's syndrome; Jeune syndrome; Chondroectodermal dysplasia-like syndrome. Identifiers: Orphanet 474, MedGen C0265275, MONDO:0018770.

Allele frequency attached by ClinVar (database versions not stated): gnomAD 0.00001; TOPMed 0.00001.
gnomAD v4.1: 6 of 1,613,914 alleles (0.00037%); highest among the groups gnomAD compares: Non-Finnish European, 0.00051%; no homozygotes.

Submissions (2):

Labcorp Genetics (formerly Invitae), Labcorp
Classification: Pathogenic for Jeune thoracic dystrophy; Nephronophthisis. Last evaluated: 2026-01-12. Review status: criteria provided, single submitter. Criteria: Invitae Variant Classification Sherloc (09022015). Collection method: clinical testing. Allele origin: germline.
Comment: This sequence change creates a premature translational stop signal (p.Gln940*) in the TTC21B gene. It is expected to result in an absent or disrupted protein product. Loss-of-function variants in TTC21B are known to be pathogenic (PMID: 18327258, 21068128, 21258341, 23559409, 24876116, 25492405, 27491411, 29068549). The frequency data for this variant in the population databases is considered unreliable, as metrics indicate poor data quality at this position in the gnomAD database. This variant has not been reported in the literature in individuals affected with TTC21B-related conditions. ClinVar contains an entry for this variant (Variation ID: 1350763). For these reasons, this variant has been classified as Pathogenic.

Blueprint Genetics
Classification: Likely pathogenic for TTC21B-related disorders. Last evaluated: 2019-11-05. Review status: criteria provided, single submitter. Criteria: ACMG Guidelines, 2015. Collection method: clinical testing. Allele origin: germline. Affected: yes. Observed: 1 variant allele.

Literature cited by the submitters: PubMed 18327258 (cited by Labcorp Genetics (formerly Invitae), Labcorp); PubMed 21068128 (cited by Labcorp Genetics (formerly Invitae), Labcorp); PubMed 21258341 (cited by Labcorp Genetics (formerly Invitae), Labcorp); PubMed 23559409 (cited by Labcorp Genetics (formerly Invitae), Labcorp); PubMed 24876116 (cited by Labcorp Genetics (formerly Invitae), Labcorp); PubMed 25492405 (cited by Labcorp Genetics (formerly Invitae), Labcorp); PubMed 27491411 (cited by Labcorp Genetics (formerly Invitae), Labcorp); PubMed 29068549 (cited by Labcorp Genetics (formerly Invitae), Labcorp).